The following is an entry in ClinVar:

NM_005477.3(HCN4):c.2838C>T (p.Pro946=)

Gene: HCN4 (hyperpolarization activated cyclic nucleotide gated potassium channel 4; minus strand). Cytogenetic location: 15q24.1.
Variant type: single nucleotide variant.
Coding change: c.2838C>T on transcript NM_005477.3 (MANE Select); coding-DNA position 2838, C replaced by T.
Protein change: p.Pro946=; no amino-acid change (proline 946 retained).
Molecular consequence: synonymous variant.
Genome position (GRCh38, 1-based): chr15:73,323,255, G>A on the plus strand (C>T on the coding strand, the complement: HCN4 is on the minus strand). VCF-style: chr15-73323255-G-A. GRCh37 (hg19) VCF-style: chr15-73615596-G-A.
Identifiers: ClinVar variation 388491 (VCV000388491.20), dbSNP rs552881314, ClinGen allele CA7648943.

ClinVar aggregate classification (germline): Benign/Likely benign. Review status: criteria provided, multiple submitters, no conflicts (2 of 4 stars). 5 submissions from 5 submitters: Benign (1); Likely benign (3). 1 of the submissions does not count toward it. Last evaluated 2026-01-28.

Conditions:
Brugada syndrome 8 (BRGDA8). Identifiers: Orphanet 130, MedGen C2751083, MONDO:0013148, OMIM 613123.
Cardiovascular phenotype. Identifiers: MedGen CN230736.
HCN4-related disorder. Also called: HCN4-related condition.

Allele frequency attached by ClinVar (database versions not stated): gnomAD exomes 0.00008 and 0.00025; gnomAD 0.00011 and 0.00013; TOPMed 0.00015; ExAC 0.00034; 1000 Genomes Project 30x 0.00047; 1000 Genomes Project 0.00060.
gnomAD v4.1: 132 of 1,522,554 alleles (0.0087%); highest among the groups gnomAD compares: East Asian, 0.13%; no homozygotes.

Submissions (5):

Labcorp Genetics (formerly Invitae), Labcorp
Classification: Benign for Brugada syndrome 8. Last evaluated: 2026-01-28. Review status: criteria provided, single submitter. Criteria: Invitae Variant Classification Sherloc (09022015). Collection method: clinical testing. Allele origin: germline.

Blueprint Genetics
Classification: Likely benign. Last evaluated: 2024-11-25. Review status: criteria provided, single submitter. Criteria: ACMG Guidelines, 2015. Collection method: clinical testing. Allele origin: germline.

Ambry Genetics
Classification: Likely benign for Cardiovascular phenotype. Last evaluated: 2019-05-20. Review status: criteria provided, single submitter. Criteria: Ambry Variant Classification Scheme 2023. Collection method: clinical testing. Allele origin: germline.

GeneDx
Classification: Likely benign. Last evaluated: 2018-08-07. Review status: criteria provided, single submitter. Criteria: GeneDx Variant Classification Process June 2021. Collection method: clinical testing. Allele origin: germline. Affected: yes.

PreventionGenetics, part of Exact Sciences
Classification: Likely benign for HCN4-related condition. Last evaluated: 2019-05-16. Review status: no assertion criteria provided. Collection method: clinical testing. Allele origin: germline. Not counted in ClinVar's aggregate classification.
Comment: This variant is classified as likely benign based on ACMG/AMP sequence variant interpretation guidelines (Richards et al. 2015 PMID: 25741868, with internal and published modifications).